The following is an entry in ClinVar:

ClinVar aggregate classification (germline): Conflicting classifications of pathogenicity. Review status: criteria provided, conflicting classifications (1 of 4 stars). 13 submissions from 13 submitters: Uncertain significance (8); Likely benign (4). 1 of the submissions does not count toward it. Last evaluated 2026-02-03.

Conditions:
Cardiovascular phenotype. Identifiers: MedGen CN230736.
Alstrom syndrome (ALMS). Identifiers: Orphanet 64, MedGen C0268425, MONDO:0008763, OMIM 203800.

Allele frequency attached by ClinVar (database versions not stated): TOPMed 0.00053; gnomAD 0.00057; 1000 Genomes Project 0.00060; 1000 Genomes Project 30x 0.00062; ESP Exome Variant Server 0.00085.
gnomAD v4.1: 769 of 1,613,338 alleles (0.048%); highest among the groups gnomAD compares: Non-Finnish European, 0.059%; 2 homozygotes.

Submissions (13):

Labcorp Genetics (formerly Invitae), Labcorp
Classification: Likely benign for Alstrom syndrome. Last evaluated: 2026-02-03. Review status: criteria provided, single submitter. Criteria: Invitae Variant Classification Sherloc (09022015). Collection method: clinical testing. Allele origin: germline.

Blueprint Genetics
Classification: Likely benign. Last evaluated: 2024-11-25. Review status: criteria provided, single submitter. Criteria: ACMG Guidelines, 2015. Collection method: clinical testing. Allele origin: germline.

ARUP Laboratories, Molecular Genetics and Genomics, ARUP Laboratories
Classification: Uncertain significance for Alstrom syndrome. Last evaluated: 2024-10-03. Review status: criteria provided, single submitter. Criteria: ARUP Molecular Germline Variant Investigation Process 2024. Collection method: clinical testing. Allele origin: germline.
Comment: The ALMS1 c.8411G>A; p.Arg2804His variant (rs201252809), to our knowledge, is not reported in the medical literature but is reported in ClinVar (Variation ID: 393018). This variant is found in the non-Finnish European population with an allele frequency of 0.089% (115/128318 alleles, including 1 homozygotes) in the Genome Aggregation Database (v2.1.1). Computational analyses predict that this variant is neutral (REVEL: 0.09). Due to limited information, the clinical significance of this variant is uncertain at this time.

Women's Health and Genetics/Laboratory Corporation of America, LabCorp
Classification: Uncertain significance. Last evaluated: 2023-11-14. Review status: criteria provided, single submitter. Criteria: LabCorp Variant Classification Summary - May 2015. Collection method: clinical testing. Allele origin: germline.
Comment: Variant summary: ALMS1 c.8408G>A (p.Arg2803His) results in a non-conservative amino acid change in the encoded protein sequence. Three of four in-silico tools predict a benign effect of the variant on protein function. The variant allele was found at a frequency of 0.00049 in 248568 control chromosomes in the gnomAD database, including 1 homozygotes. This frequency is not significantly higher than estimated for a pathogenic variant in ALMS1 causing Alstrom Syndrome With Dilated Cardiomyopathy (0.00049 vs 0.0018), allowing no conclusion about variant significance. c.8408G>A has been reported in the literature in at least one individual affected with Alstrom Syndrome. This report does not provide unequivocal conclusions about association of the variant with Alstrom Syndrome With Dilated Cardiomyopathy. our knowledge, no experimental evidence demonstrating an impact on protein function has been reported. The following publication have been ascertained in the context of this evaluation (PMID: 25846608). Nine submitters have cited clinical-significance assessments for this variant to ClinVar after 2014. Multiple submitters reported the variant with conflicting assessments (likely benign n=3, VUS n=6). Based on the evidence outlined above, the variant was classified as uncertain significance.

CeGaT Center for Human Genetics Tuebingen
Classification: Uncertain significance. Last evaluated: 2023-10-01. Review status: criteria provided, single submitter. Criteria: CeGaT Center For Human Genetics Tuebingen Variant Classification Criteria Version 2. Collection method: clinical testing. Allele origin: germline. Affected: yes. Observed: 1 variant allele.
Comment: ALMS1: PM2, BP4

Ambry Genetics
Classification: Likely benign for Cardiovascular phenotype. Last evaluated: 2022-08-22. Review status: criteria provided, single submitter. Criteria: Ambry Variant Classification Scheme 2023. Collection method: clinical testing. Allele origin: germline.

New York Genome Center
Classification: Uncertain significance for Alstrom syndrome. Last evaluated: 2021-10-08. Review status: criteria provided, single submitter. Criteria: NYGC Assertion Criteria 2020. Collection method: clinical testing. Allele origin: germline. Observed: 1 heterozygote.

Genome-Nilou Lab
Classification: Uncertain significance for Alstrom syndrome. Last evaluated: 2021-07-14. Review status: criteria provided, single submitter. Criteria: ACMG Guidelines, 2015. Collection method: clinical testing. Allele origin: germline. Affected: no.

GeneDx
Classification: Likely benign. Last evaluated: 2020-11-16. Review status: criteria provided, single submitter. Criteria: GeneDx Variant Classification Process June 2021. Collection method: clinical testing. Allele origin: germline. Affected: yes.

Fulgent Genetics
Classification: Uncertain significance for Alstrom syndrome. Last evaluated: 2018-10-31. Review status: criteria provided, single submitter. Criteria: ACMG Guidelines, 2015. Collection method: clinical testing. Allele origin: unknown.

Center for Pediatric Genomic Medicine, Children's Mercy Hospital and Clinics
Classification: Uncertain significance. Last evaluated: 2017-09-05. Review status: criteria provided, single submitter. Criteria: ACMG Guidelines, 2015. Collection method: clinical testing. Allele origin: germline.

Stanford Center for Inherited Cardiovascular Disease, Stanford University
Classification: Uncertain significance. Last evaluated: 2016-08-16. Review status: criteria provided, single submitter. Criteria: ACMG Guidelines, 2015. Collection method: provider interpretation. Allele origin: germline.

Natera, Inc.
Classification: Uncertain significance for Alstrom syndrome. Last evaluated: 2020-09-16. Review status: no assertion criteria provided. Collection method: clinical testing. Allele origin: germline. Not counted in ClinVar's aggregate classification.

Literature cited by the submitters: PubMed 25846608 (cited by Women's Health and Genetics/Laboratory Corporation of America, LabCorp).

NM_001378454.1(ALMS1):c.8411G>A (p.Arg2804His)

Gene: ALMS1 (ALMS1 centrosome and basal body associated protein; plus strand). Cytogenetic location: 2p13.1.
Variant type: single nucleotide variant.
Coding change: c.8411G>A on transcript NM_001378454.1 (MANE Select); coding-DNA position 8411, G replaced by A.
Protein change: p.Arg2804His; replaces arginine 2804 with histidine.
Molecular consequence: missense variant.
Genome position (GRCh38, 1-based): chr2:73,490,370, G>A. VCF-style: chr2-73490370-G-A. GRCh37 (hg19) VCF-style: chr2-73717497-G-A.
Other names: c.8414G>A, p.Arg2805His (NM_015120.4); short protein forms R2805H, R2804H.
Identifiers: ClinVar variation 393018 (VCV000393018.88), dbSNP rs201252809, ClinGen allele CA1714465.
Genomic context (GRCh38, chr2:73,490,370, plus strand): 5'-AAGTGACTATTTTAGCAGAAGGTAGAAGGCAAAGCCAAAAATTACCTGTTGATTTTGAGC[G>A]TTCTTTTCAAGAAGAAAAACCCTTAGAAAGATCAGATTTTACAGGCAGTCATTCTGAGCC-3'
Protein context (NP_001365383.1, residues 2794-2814): QSQKLPVDFE[Arg2804His]SFQEEKPLER